The following is an entry in ClinVar:

NM_004260.4(RECQL4):c.1635A>G (p.Pro545=)

Gene: RECQL4 (RecQ like helicase 4; minus strand). Cytogenetic location: 8q24.3.
Variant type: single nucleotide variant.
Coding change: c.1635A>G on transcript NM_004260.4 (MANE Select); coding-DNA position 1635, A replaced by G.
Protein change: p.Pro545=; no amino-acid change (proline 545 retained).
Molecular consequence: synonymous variant.
Genome position (GRCh38, 1-based): chr8:144,514,511, T>C on the plus strand (A>G on the coding strand, the complement: RECQL4 is on the minus strand). VCF-style: chr8-144514511-T-C. GRCh37 (hg19) VCF-style: chr8-145739895-T-C.
Other names: c.1635A>G (NM_004260.3).
Identifiers: ClinVar variation 1093407 (VCV001093407.10), dbSNP rs563366558, ClinGen allele CA4948732.
Genomic context (GRCh38, chr8:144,514,511, plus strand): 5'-GACAGATTCCCGTTGCTTCCTGGTCATGCCCGAGTGTATGCAGGCCGCCTTGAGACACGG[T>C]GGCAGGCCAGACACCTGCAAATGCAGGAGCGACAGCCGTCATACGCCAGCCCAGCCCTGG-3'
Protein context (NP_004251.4, residues 535-555): SLMDDQVSGL[Pro545=]PCLKAACIHS

ClinVar aggregate classification (germline): Likely benign. Review status: criteria provided, multiple submitters, no conflicts (2 of 4 stars). 3 submissions from 3 submitters: Likely benign (2). 1 of the submissions does not count toward it. Last evaluated 2025-01-07.

Conditions:
Inborn genetic diseases. Identifiers: MedGen C0950123, MeSH D030342.
RECQL4-related disorder. Also called: RECQL4-related disorders; RECQL4-related condition.
Baller-Gerold syndrome (BGS). Also called: CRANIOSYNOSTOSIS WITH RADIAL DEFECTS. Identifiers: Orphanet 1225, MedGen C0265308, MONDO:0009039, OMIM 218600.

Allele frequency attached by ClinVar (database versions not stated): 1000 Genomes Project 30x 0.00016; 1000 Genomes Project 0.00020; gnomAD exomes below 0.00001; ExAC 0.00001.
gnomAD v4.1: 6 of 1,611,526 alleles (0.00037%); highest among the groups gnomAD compares: African/African-American, 0.004%; no homozygotes.

Submissions (3):

Ambry Genetics
Classification: Likely benign for Inborn genetic diseases. Last evaluated: 2025-01-07. Review status: criteria provided, single submitter. Criteria: Ambry Variant Classification Scheme 2023. Collection method: clinical testing. Allele origin: germline.

Labcorp Genetics (formerly Invitae), Labcorp
Classification: Likely benign for Baller-Gerold syndrome. Last evaluated: 2023-12-13. Review status: criteria provided, single submitter. Criteria: Invitae Variant Classification Sherloc (09022015). Collection method: clinical testing. Allele origin: germline.

PreventionGenetics, part of Exact Sciences
Classification: Likely benign for RECQL4-related condition. Last evaluated: 2020-05-22. Review status: no assertion criteria provided. Collection method: clinical testing. Allele origin: germline. Not counted in ClinVar's aggregate classification.
Comment: This variant is classified as likely benign based on ACMG/AMP sequence variant interpretation guidelines (Richards et al. 2015 PMID: 25741868, with internal and published modifications).